The following is an entry in ClinVar:

NM_024757.5(EHMT1):c.1107G>A (p.Ala369=)

Gene: EHMT1 (euchromatic histone lysine methyltransferase 1; plus strand). Cytogenetic location: 9q34.3.
Variant type: single nucleotide variant.
Coding change: c.1107G>A on transcript NM_024757.5 (MANE Select); coding-DNA position 1107, G replaced by A.
Protein change: p.Ala369=; no amino-acid change (alanine 369 retained).
Molecular consequence: synonymous variant.
Genome position (GRCh38, 1-based): chr9:137,744,027, G>A. VCF-style: chr9-137744027-G-A. GRCh37 (hg19) VCF-style: chr9-140638479-G-A.
Other names: c.1107G>A, p.Ala369= (NM_001145527.2, NM_001354611.2); c.1014G>A, p.Ala338= (NM_001354259.2, NM_001354612.2); c.1086G>A, p.Ala362= (NM_001354263.2).
Identifiers: ClinVar variation 435038 (VCV000435038.31), dbSNP rs540617218, ClinGen allele CA5374502.

ClinVar aggregate classification (germline): Benign/Likely benign. Review status: criteria provided, multiple submitters, no conflicts (2 of 4 stars). 4 submissions from 4 submitters: Benign (2); Likely benign (2). Last evaluated 2026-01-12.

Conditions:
Kleefstra syndrome 1 (KLEFS1). Identifiers: Orphanet 261494, MedGen C0795833, MONDO:0027407, OMIM 610253.

Allele frequency attached by ClinVar (database versions not stated): gnomAD 0.00002 and 0.00019; TOPMed 0.00003; gnomAD exomes 0.00021 and 0.00048; ExAC 0.00069; 1000 Genomes Project 0.00140; 1000 Genomes Project 30x 0.00141.
gnomAD v4.1: 337 of 1,614,116 alleles (0.021%); highest among the groups gnomAD compares: South Asian, 0.34%; 5 homozygotes.

Submissions (4):

Labcorp Genetics (formerly Invitae), Labcorp
Classification: Benign for Kleefstra syndrome 1. Last evaluated: 2026-01-12. Review status: criteria provided, single submitter. Criteria: Invitae Variant Classification Sherloc (09022015). Collection method: clinical testing. Allele origin: germline.

CeGaT Center for Human Genetics Tuebingen
Classification: Likely benign. Last evaluated: 2024-09-01. Review status: criteria provided, single submitter. Criteria: CeGaT Center For Human Genetics Tuebingen Variant Classification Criteria Version 2. Collection method: clinical testing. Allele origin: germline. Affected: yes. Observed: 1 variant allele.
Comment: EHMT1: BP4, BP7

GeneDx
Classification: Benign. Last evaluated: 2018-12-21. Review status: criteria provided, single submitter. Criteria: GeneDx Variant Classification Process June 2021. Collection method: clinical testing. Allele origin: germline. Affected: yes.

Genetic Services Laboratory, University of Chicago
Classification: Likely benign. Last evaluated: 2016-09-12. Review status: criteria provided, single submitter. Criteria: ACMG Guidelines, 2015. Collection method: clinical testing. Allele origin: germline. Affected: no.